The following is an entry in ClinVar:

ClinVar aggregate classification (germline): Pathogenic (1 of 4 stars; one submission).

Conditions:
Hereditary cancer-predisposing syndrome. Also called: Neoplastic Syndromes, Hereditary; Tumor predisposition; Hereditary neoplastic syndrome; Hereditary Cancer Syndrome. Identifiers: Orphanet 140162, MedGen C0027672, MeSH D009386, MONDO:0015356.

Submission:

Ambry Genetics
Classification: Pathogenic for Hereditary cancer-predisposing syndrome. Last evaluated: 2023-10-13. Review status: criteria provided, single submitter. Criteria: Ambry Variant Classification Scheme 2023. Collection method: clinical testing. Allele origin: germline.
Comment: The c.7507delG pathogenic mutation, located in coding exon 14 of the BRCA2 gene, results from a deletion of one nucleotide at nucleotide position 7507, causing a translational frameshift with a predicted alternate stop codon (p.V2503Sfs*21). This variant is considered to be rare based on population cohorts in the Genome Aggregation Database (gnomAD). This alteration is expected to result in loss of function by premature protein truncation or nonsense-mediated mRNA decay. As such, this alteration is interpreted as a disease-causing mutation.

NM_000059.4(BRCA2):c.7507del (p.Val2503fs)

Gene: BRCA2 (BRCA2 DNA repair associated; plus strand). Cytogenetic location: 13q13.1.
Variant type: Deletion.
Coding change: c.7507del on transcript NM_000059.4 (MANE Select); coding-DNA position 7507, one base deleted (G; older notation c.7507delG).
Protein change: p.Val2503fs; shifts the reading frame from valine 2503.
Molecular consequence: frameshift variant. On other transcripts: non-coding transcript variant (1).
Genome position (GRCh38, 1-based): chr13:32,356,499, G deleted. VCF-style (leftmost placement, unchanged base first): chr13-32356498-CG-C. GRCh37 (hg19) VCF-style: chr13-32930635-CG-C.
Other names: c.7411del, p.Val2471fs (NM_001406719.1); c.7507del, p.Val2503fs (NM_001406720.1); c.2575del, p.Val859fs (NM_001406721.1); c.1090del, p.Val364fs (NM_001406722.1); short protein forms V2471fs, V2503fs, V364fs, V859fs.
Identifiers: ClinVar variation 3228600 (VCV003228600.1), dbSNP rs2548541432, ClinGen allele CA2825002140.
Genomic context (GRCh38, chr13:32,356,498, plus strand): 5'-AAGTCTTCAGAATGCCAGAGATATACAGGATATGCGAATTAAGAAGAAACAAAGGCAACG[CG>C]TCTTTCCACAGCCAGGCAGTCTGTATCTTGCAAAAACATCCACTCTGCCTCGAATCTCTC-3'